The following is an entry in ClinVar:

NM_014264.5(PLK4):c.126+5G>C

Gene: PLK4 (polo like kinase 4; plus strand). Cytogenetic location: 4q28.1.
Variant type: single nucleotide variant.
Coding change: c.126+5G>C on transcript NM_014264.5 (MANE Select); 5 bases into the intron after coding-DNA position 126, G replaced by C.
Molecular consequence: intron variant.
Genome position (GRCh38, 1-based): chr4:127,881,931, G>C. VCF-style: chr4-127881931-G-C. GRCh37 (hg19) VCF-style: chr4-128803086-G-C.
Other names: c.126+5G>C (NM_001190799.2); c.3+5G>C (NM_001190801.2).
Identifiers: ClinVar variation 854633 (VCV000854633.6), dbSNP rs370443589, ClinGen allele CA3076488.

ClinVar aggregate classification (germline): Uncertain significance. Review status: criteria provided, multiple submitters, no conflicts (2 of 4 stars). 2 submissions from 2 submitters: Uncertain significance (2). Last evaluated 2025-01-06.

Allele frequency attached by ClinVar (database versions not stated): TOPMed 0.00005; gnomAD exomes 0.00006 and 0.00018; ExAC 0.00008; ESP Exome Variant Server 0.00008; gnomAD 0.00008; 1000 Genomes Project 30x 0.00016; 1000 Genomes Project 0.00020.
gnomAD v4.1: 241 of 1,489,208 alleles (0.016%); highest among the groups gnomAD compares: Non-Finnish European, 0.022%; 1 homozygote.

Submissions (2):

Labcorp Genetics (formerly Invitae), Labcorp
Classification: Uncertain significance. Last evaluated: 2025-01-06. Review status: criteria provided, single submitter. Criteria: Invitae Variant Classification Sherloc (09022015). Collection method: clinical testing. Allele origin: germline.
Comment: This sequence change falls in intron 2 of the PLK4 gene. It does not directly change the encoded amino acid sequence of the PLK4 protein. It affects a nucleotide within the consensus splice site. This variant is present in population databases (rs370443589, gnomAD 0.01%). This variant has not been reported in the literature in individuals affected with PLK4-related conditions. ClinVar contains an entry for this variant (Variation ID: 854633). Variants that disrupt the consensus splice site are a relatively common cause of aberrant splicing (PMID: 17576681, 9536098). Algorithms developed to predict the effect of sequence changes on RNA splicing suggest that this variant may disrupt the consensus splice site. In summary, the available evidence is currently insufficient to determine the role of this variant in disease. Therefore, it has been classified as a Variant of Uncertain Significance.

Blueprint Genetics
Classification: Uncertain significance. Last evaluated: 2022-09-16. Review status: criteria provided, single submitter. Criteria: ACMG Guidelines, 2015. Collection method: clinical testing. Allele origin: germline.

Literature cited by the submitters: PubMed 17576681 (cited by Labcorp Genetics (formerly Invitae), Labcorp); PubMed 9536098 (cited by Labcorp Genetics (formerly Invitae), Labcorp).